The following is an entry in ClinVar:

NM_006892.4(DNMT3B):c.1403T>A (p.Met468Lys)

Gene: DNMT3B (DNA methyltransferase 3 beta; plus strand). Cytogenetic location: 20q11.21.
Variant type: single nucleotide variant.
Coding change: c.1403T>A on transcript NM_006892.4 (MANE Select); coding-DNA position 1403, T replaced by A.
Protein change: p.Met468Lys; replaces methionine 468 with lysine.
Molecular consequence: missense variant.
Genome position (GRCh38, 1-based): chr20:32,797,212, T>A. VCF-style: chr20-32797212-T-A. GRCh37 (hg19) VCF-style: chr20-31385018-T-A.
Other names: c.1217T>A, p.Met406Lys (NM_001207055.2, NM_001424354.1, NM_001424357.1); c.1115T>A, p.Met372Lys (NM_001207056.2); c.1403T>A, p.Met468Lys (NM_001424351.1, NM_001424355.1); c.1277T>A, p.Met426Lys (NM_001424352.1, NM_001424356.1, NM_001424358.1); c.1343T>A, p.Met448Lys (NM_001424353.1, NM_175848.2, NM_175849.2); c.1379T>A, p.Met460Lys (NM_001424359.1, NM_175850.3); c.1253T>A, p.Met418Lys (NM_001424360.1); short protein forms M372K, M468K, M448K, M406K, M418K, M426K, M460K.
Identifiers: ClinVar variation 3716833 (VCV003716833.2).

ClinVar aggregate classification (germline): Uncertain significance (1 of 4 stars; one submission).

Conditions:
Centromeric instability of chromosomes 1,9 and 16 and immunodeficiency (ICF1). Also called: IMMUNE DEFICIENCY, VARIABLE, WITH CENTROMERIC INSTABILITY OF CHROMOSOMES 1, 9, AND 16; IMMUNODEFICIENCY SYNDROME, VARIABLE; Immunodeficiency-centromeric instability-facial anomalies; CENTROMERIC INSTABILITY, IMMUNODEFICIENCY SYNDROME. Identifiers: Orphanet 2268, MedGen C0398788, MONDO:0000133.

gnomAD v4.1: 2 of 1,614,152 alleles (0.00012%); highest among the groups gnomAD compares: Non-Finnish European, 0.000085%; no homozygotes.

Submission:

Labcorp Genetics (formerly Invitae), Labcorp
Classification: Uncertain significance for Centromeric instability of chromosomes 1,9 and 16 and immunodeficiency. Last evaluated: 2024-12-23. Review status: criteria provided, single submitter. Criteria: Invitae Variant Classification Sherloc (09022015). Collection method: clinical testing. Allele origin: germline.
Comment: This sequence change replaces methionine, which is neutral and non-polar, with lysine, which is basic and polar, at codon 468 of the DNMT3B protein (p.Met468Lys). This variant is not present in population databases (gnomAD no frequency). This variant has not been reported in the literature in individuals affected with DNMT3B-related conditions. Invitae Evidence Modeling of protein sequence and biophysical properties (such as structural, functional, and spatial information, amino acid conservation, physicochemical variation, residue mobility, and thermodynamic stability) has been performed for this missense variant. However, the output from this modeling did not meet the statistical confidence thresholds required to predict the impact of this variant on DNMT3B protein function. In summary, the available evidence is currently insufficient to determine the role of this variant in disease. Therefore, it has been classified as a Variant of Uncertain Significance.